The following is an entry in ClinVar:

NM_178565.5(RSPO2):c.451A>C (p.Ser151Arg)

Gene: RSPO2 (R-spondin 2; minus strand). Cytogenetic location: 8q23.1.
Variant type: single nucleotide variant.
Coding change: c.451A>C on transcript NM_178565.5 (MANE Select); coding-DNA position 451, A replaced by C.
Protein change: p.Ser151Arg; replaces serine 151 with arginine.
Molecular consequence: missense variant.
Genome position (GRCh38, 1-based): chr8:107,958,245, T>G on the plus strand (A>C on the coding strand, the complement: RSPO2 is on the minus strand). VCF-style: chr8-107958245-T-G. GRCh37 (hg19) VCF-style: chr8-108970473-T-G.
Other names: c.259A>C, p.Ser87Arg (NM_001282863.2); c.250A>C, p.Ser84Arg (NM_001317942.2); short protein forms S151R, S84R, S87R.
Identifiers: ClinVar variation 4744159 (VCV004744159.1).

ClinVar aggregate classification (germline): Uncertain significance (1 of 4 stars; one submission).

Submission:

Labcorp Genetics (formerly Invitae), Labcorp
Classification: Uncertain significance. Last evaluated: 2025-02-04. Review status: criteria provided, single submitter. Criteria: Invitae Variant Classification Sherloc (09022015). Collection method: clinical testing. Allele origin: germline.
Comment: This sequence change replaces serine, which is neutral and polar, with arginine, which is basic and polar, at codon 151 of the RSPO2 protein (p.Ser151Arg). This variant is not present in population databases (gnomAD no frequency). This variant has not been reported in the literature in individuals affected with RSPO2-related conditions. Invitae Evidence Modeling of protein sequence and biophysical properties (such as structural, functional, and spatial information, amino acid conservation, physicochemical variation, residue mobility, and thermodynamic stability) indicates that this missense variant is not expected to disrupt RSPO2 protein function with a negative predictive value of 80%. In summary, the available evidence is currently insufficient to determine the role of this variant in disease. Therefore, it has been classified as a Variant of Uncertain Significance.